The following is an entry in ClinVar:

ClinVar aggregate classification (germline): Uncertain significance (1 of 4 stars; one submission).

Conditions:
Autosomal dominant nonsyndromic hearing loss 1. Also called: KONIGSMARK SYNDROME; DEAFNESS, AUTOSOMAL DOMINANT 1, WITH OR WITHOUT THROMBOCYTOPENIA. Identifiers: Orphanet 90635, MedGen C1852282, MONDO:0007424, OMIM 124900.
Progressive microcephaly-seizures-cortical blindness-developmental delay syndrome. Also called: Seizures, cortical blindness, and microcephaly syndrome. Identifiers: Orphanet 477814, MedGen C5567650, MONDO:0014714, OMIM 616632.

Submission:

Labcorp Genetics (formerly Invitae), Labcorp
Classification: Uncertain significance for Progressive microcephaly-seizures-cortical blindness-developmental delay syndrome; Autosomal dominant nonsyndromic hearing loss 1. Last evaluated: 2023-08-04. Review status: criteria provided, single submitter. Criteria: Invitae Variant Classification Sherloc (09022015). Collection method: clinical testing. Allele origin: germline.
Comment: This variant has not been reported in the literature in individuals affected with DIAPH1-related conditions. In summary, the available evidence is currently insufficient to determine the role of this variant in disease. Therefore, it has been classified as a Variant of Uncertain Significance. Experimental studies and prediction algorithms are not available or were not evaluated, and the functional significance of this variant is currently unknown. ClinVar contains an entry for this variant (Variation ID: 1411997). This variant is not present in population databases (gnomAD no frequency). This sequence change replaces methionine, which is neutral and non-polar, with threonine, which is neutral and polar, at codon 147 of the DIAPH1 protein (p.Met147Thr).

NM_005219.5(DIAPH1):c.440T>C (p.Met147Thr)

Gene: DIAPH1 (diaphanous related formin 1; minus strand). Cytogenetic location: 5q31.3.
Variant type: single nucleotide variant.
Coding change: c.440T>C on transcript NM_005219.5 (MANE Select); coding-DNA position 440, T replaced by C.
Protein change: p.Met147Thr; replaces methionine 147 with threonine.
Molecular consequence: missense variant.
Genome position (GRCh38, 1-based): chr5:141,583,578, A>G on the plus strand (T>C on the coding strand, the complement: DIAPH1 is on the minus strand). VCF-style: chr5-141583578-A-G. GRCh37 (hg19) VCF-style: chr5-140963145-A-G.
Other names: c.413T>C, p.Met138Thr (NM_001079812.3); c.440T>C, p.Met147Thr (NM_001314007.2); short protein forms M138T, M147T.
Identifiers: ClinVar variation 1411997 (VCV001411997.8), dbSNP rs2154596607, ClinGen allele CA361542153.
Genomic context (GRCh38, chr5:141,583,578, plus strand): 5'-GACTCCAGGCAGCTGAGCAGAGGCATATCCCGCAAGCCTGACCTCAACTCCTGAATATAC[A>G]TCATGGCAGACTTAGAGCTCTCCTTCTGGCTCATGCCCTAGACAGAAGGCATAGACAGAG-3'
Protein context (NP_005210.3, residues 137-157): SQKESSKSAM[Met147Thr]YIQELRSGLR